The following is an entry in ClinVar:

ClinVar aggregate classification (germline): Likely pathogenic (1 of 4 stars; one submission).

Conditions:
Retinitis pigmentosa 73 (RP73). Identifiers: Orphanet 791, MedGen C4225287, MONDO:0014687, OMIM 616544.
Mucopolysaccharidosis, MPS-III-C (MPS3C). Also called: SANFILIPPO SYNDROME C; MPS III C; Mucopolysaccharidosis type IIIC (Sanfilippo C); MUCOPOLYSACCHARIDOSIS, TYPE IIIC; mucopolysaccharidosis type 3C; MPS IIIC (Sanfilippo Syndrome Type C). Identifiers: Orphanet 581, Orphanet 79271, MedGen C0086649, MONDO:0009657, OMIM 252930.

Submission:

Labcorp Genetics (formerly Invitae), Labcorp
Classification: Likely pathogenic for Retinitis pigmentosa 73; Mucopolysaccharidosis, MPS-III-C. Last evaluated: 2023-09-29. Review status: criteria provided, single submitter. Criteria: Invitae Variant Classification Sherloc (09022015). Collection method: clinical testing. Allele origin: germline.
Comment: This variant is not present in population databases (gnomAD no frequency). This variant has not been reported in the literature in individuals affected with HGSNAT-related conditions. Algorithms developed to predict the effect of sequence changes on RNA splicing suggest that this variant may disrupt the consensus splice site. In summary, the currently available evidence indicates that the variant is pathogenic, but additional data are needed to prove that conclusively. Therefore, this variant has been classified as Likely Pathogenic. This sequence change affects a donor splice site in intron 8 of the HGSNAT gene. It is expected to disrupt RNA splicing. Variants that disrupt the donor or acceptor splice site typically lead to a loss of protein function (PMID: 16199547), and loss-of-function variants in HGSNAT are known to be pathogenic (PMID: 17033958, 19479962).

Literature cited by the submitters: PubMed 16199547; PubMed 17033958; PubMed 19479962.

NM_152419.3(HGSNAT):c.820+1G>A

Gene: HGSNAT (heparan-alpha-glucosaminide N-acetyltransferase; plus strand). Cytogenetic location: 8p11.21.
Variant type: single nucleotide variant.
Coding change: c.820+1G>A on transcript NM_152419.3 (MANE Select); the canonical splice donor site of the intron after coding-DNA position 820, G replaced by A.
Molecular consequence: splice donor variant.
Genome position (GRCh38, 1-based): chr8:43,172,387, G>A. VCF-style: chr8-43172387-G-A. GRCh37 (hg19) VCF-style: chr8-43027530-G-A.
Other names: c.820+1G>A (NM_001363227.2, NM_001363228.2); c.-14+1G>A (NM_001363229.2).
Identifiers: ClinVar variation 2952377 (VCV002952377.3), dbSNP rs2486973391, ClinGen allele CA371116465.